The following continues an entry in ClinVar:

NM_024675.4(PALB2):c.751C>T (p.Gln251Ter)

Gene: PALB2. ClinVar aggregate classification (germline): Pathogenic. Pathogenic (16).

Submissions 14 to 18 of 18:

University of Washington Department of Laboratory Medicine, University of Washington
Classification: Pathogenic for Hereditary cancer-predisposing syndrome. Last evaluated: 2015-11-20. Review status: criteria provided, single submitter. Criteria: Shirts et al. (Genet Med 2016). Collection method: clinical testing. Allele origin: germline. Affected: yes. Observed: 1 variant allele.

Genesis Genomics
Classification: Pathogenic for Breast-ovarian cancer, familial, susceptibility to, 5. Review status: criteria provided, single submitter. Criteria: ACMG Guidelines, 2015. Collection method: clinical testing. Allele origin: germline. Affected: yes. Observed: 1 variant allele.

Juno Genomics, Hangzhou Juno Genomics, Inc
Classification: Pathogenic for Breast-ovarian cancer, familial, susceptibility to, 5; Pancreatic cancer, susceptibility to, 3; Fanconi anemia complementation group N. Review status: criteria provided, single submitter. Criteria: ACMG Guidelines, 2015. Collection method: clinical testing. Allele origin: germline.
Comment: Null variant in a gene where loss of function (LOF) is a known mechanism of disease.;The prevalence of the variant in affected individuals is significantly increased compared to the prevalence in controls.

Leiden Open Variation Database
Classification: Pathogenic for Familial cancer of breast. Last evaluated: 2019-05-13. Review status: no assertion criteria provided. Collection method: curation. Allele origin: germline. Affected: yes. Not counted in ClinVar's aggregate classification.
Comment: Curators: Marc Tischkowitz, Arleen D. Auerbach. Submitter to LOVD: Marc Tischkowitz.

Counsyl
Classification: Pathogenic for Familial cancer of breast. Last evaluated: 2017-10-23. Review status: no assertion criteria provided. Collection method: clinical testing. Allele origin: unknown. Not counted in ClinVar's aggregate classification.

Literature cited by the submitters: PubMed 17200668 (cited by Labcorp Genetics (formerly Invitae), Labcorp and Sema4); PubMed 17200671 (cited by Labcorp Genetics (formerly Invitae), Labcorp); PubMed 17200672 (cited by Labcorp Genetics (formerly Invitae), Labcorp); PubMed 24136930 (cited by 3 submitters); PubMed 25099575 (cited by 3 submitters); PubMed 18446436 (cited by 8 submitters); PubMed 26541979 (cited by 5 submitters); PubMed 26720728 (cited by 7 submitters); PubMed 28724667 (cited by 6 submitters); PubMed 28825143 (cited by 6 submitters); PubMed 21165770 (cited by Ambry Genetics); PubMed 22006311 (cited by Ambry Genetics and Leiden Open Variation Database); PubMed 30720863 (cited by Color Diagnostics, LLC DBA Color Health and Sema4); PubMed 32339256 (cited by Color Diagnostics, LLC DBA Color Health and New York Genome Center); PubMed 33646313 (cited by Color Diagnostics, LLC DBA Color Health and New York Genome Center); PubMed 31206626 (cited by Institute for Genomic Medicine (IGM) Clinical Laboratory, Nationwide Children's Hospital); PubMed 31841383 (cited by Institute for Genomic Medicine (IGM) Clinical Laboratory, Nationwide Children's Hospital); PubMed 19264984 (cited by Leiden Open Variation Database); PubMed 25525159 (cited by Counsyl).